The following is an entry in ClinVar:

ClinVar aggregate classification (germline): Pathogenic (1 of 4 stars; one submission).
ClinVar aggregate classification (oncogenicity): Likely oncogenic (1 of 4 stars; one submission).

Conditions:
Neoplasm. Also called: tumor; Neoplasms; Neoplasm (disease). Identifiers: MedGen C0027651, MeSH D009369, MONDO:0005070, HP:0002664.

Submissions (2):

Center for Genomic Medicine, Rigshospitalet, Copenhagen University Hospital
Classification: Likely oncogenic for Neoplasm. Last evaluated: 2025-12-29. Review status: criteria provided, single submitter. Criteria: ClinGen/CGC/VICC Guidelines for Oncogenicity, 2022. Collection method: clinical testing. Allele origin: somatic. Affected: yes.

GeneDx
Classification: Pathogenic. Last evaluated: 2024-06-06. Review status: criteria provided, single submitter. Criteria: GeneDx Variant Classification Process June 2021. Collection method: clinical testing. Allele origin: germline. Affected: yes.
Comment: Nonsense variant predicted to result in protein truncation or nonsense mediated decay in a gene for which loss of function is a known mechanism of disease; Not observed at significant frequency in large population cohorts (gnomAD); Has not been previously published as pathogenic or benign to our knowledge

NM_170606.3(KMT2C):c.595C>T (p.Arg199Ter)

Gene: KMT2C (lysine methyltransferase 2C; minus strand). Cytogenetic location: 7q36.1.
Variant type: single nucleotide variant.
Coding change: c.595C>T on transcript NM_170606.3 (MANE Select); coding-DNA position 595, C replaced by T.
Protein change: p.Arg199Ter; replaces arginine 199 with a stop codon.
Molecular consequence: nonsense.
Genome position (GRCh38, 1-based): chr7:152,311,942, G>A on the plus strand (C>T on the coding strand, the complement: KMT2C is on the minus strand). VCF-style: chr7-152311942-G-A. GRCh37 (hg19) VCF-style: chr7-152009027-G-A.
Other names: short protein forms R199*.
Identifiers: ClinVar variation 3253311 (VCV003253311.2), dbSNP rs2096675479.